The following is an entry in ClinVar:

ClinVar aggregate classification (germline): Uncertain significance (1 of 4 stars; one submission).

Conditions:
Inborn genetic diseases. Identifiers: MedGen C0950123, MeSH D030342.

Submission:

Ambry Genetics
Classification: Uncertain significance for Inborn genetic diseases. Last evaluated: 2023-07-10. Review status: criteria provided, single submitter. Criteria: Ambry Variant Classification Scheme 2023. Collection method: clinical testing. Allele origin: germline.
Comment: The p.Y1718D variant (also known as c.5152T>G), located in coding exon 35 of the LRRK2 gene, results from a T to G substitution at nucleotide position 5152. The tyrosine at codon 1718 is replaced by aspartic acid, an amino acid with highly dissimilar properties. This amino acid position is conserved. In addition, this alteration is predicted to be deleterious by in silico analysis. Since supporting evidence is limited at this time, the clinical significance of this alteration remains unclear.

NM_198578.4(LRRK2):c.5152T>G (p.Tyr1718Asp)

Gene: LRRK2 (leucine rich repeat kinase 2; plus strand). Cytogenetic location: 12q12.
Variant type: single nucleotide variant.
Coding change: c.5152T>G on transcript NM_198578.4 (MANE Select); coding-DNA position 5152, T replaced by G.
Protein change: p.Tyr1718Asp; replaces tyrosine 1718 with aspartic acid.
Molecular consequence: missense variant.
Genome position (GRCh38, 1-based): chr12:40,321,170, T>G. VCF-style: chr12-40321170-T-G. GRCh37 (hg19) VCF-style: chr12-40714972-T-G.
Other names: short protein forms Y1718D.
Identifiers: ClinVar variation 2587255 (VCV002587255.2), dbSNP rs2499878989, ClinGen allele CA384420105.